The following is an entry in ClinVar:

NM_020964.3(EPG5):c.227A>G (p.Asn76Ser)

Gene: EPG5 (ectopic P-granules 5 autophagy tethering factor; minus strand). Cytogenetic location: 18q21.1.
Variant type: single nucleotide variant.
Coding change: c.227A>G on transcript NM_020964.3 (MANE Select); coding-DNA position 227, A replaced by G.
Protein change: p.Asn76Ser; replaces asparagine 76 with serine.
Molecular consequence: missense variant.
Genome position (GRCh38, 1-based): chr18:45,955,175, T>C on the plus strand (A>G on the coding strand, the complement: EPG5 is on the minus strand). VCF-style: chr18-45955175-T-C. GRCh37 (hg19) VCF-style: chr18-43535141-T-C.
Other names: c.227A>G, p.Asn76Ser (NM_001410858.1, NM_001410859.1); short protein forms N76S.
Identifiers: ClinVar variation 5005885 (VCV005005885.2).

ClinVar aggregate classification (germline): Uncertain significance (1 of 4 stars; one submission).

Conditions:
Vici syndrome (VICIS). Identifiers: Orphanet 1493, MedGen C1855772, MONDO:0009452, OMIM 242840.

gnomAD v4.1: 5 of 1,614,020 alleles (0.00031%); highest among the groups gnomAD compares: East Asian, 0.0045%; no homozygotes.

Submission:

Juno Genomics, Hangzhou Juno Genomics, Inc
Classification: Uncertain significance for Vici syndrome. Review status: criteria provided, single submitter. Criteria: ACMG Guidelines, 2015. Collection method: clinical testing. Allele origin: germline.
Comment: Absent from controls (or at extremely low frequency if recessive) in Genome Aggregation Database.;Multiple lines of computational evidence support a deleterious effect on the gene or gene product.